The following is an entry in ClinVar:

ClinVar aggregate classification (germline): Uncertain significance (1 of 4 stars; one submission).

Conditions:
Haddad syndrome (OHD). Also called: Ondine-Hirschsprung disease. Identifiers: Orphanet 99803, MedGen C1859049, MONDO:0020493.

Allele frequency attached by ClinVar (database versions not stated): TOPMed below 0.00001; gnomAD 0.00001.

Submission:

Labcorp Genetics (formerly Invitae), Labcorp
Classification: Uncertain significance for Haddad syndrome. Last evaluated: 2021-05-28. Review status: criteria provided, single submitter. Criteria: Invitae Variant Classification Sherloc (09022015). Collection method: clinical testing. Allele origin: germline.
Comment: This sequence change replaces alanine with glycine at codon 31 of the PHOX2B protein (p.Ala31Gly). The alanine residue is highly conserved and there is a small physicochemical difference between alanine and glycine. This variant is not present in population databases (ExAC no frequency). This variant has not been reported in the literature in individuals with PHOX2B-related conditions. Algorithms developed to predict the effect of missense changes on protein structure and function are either unavailable or do not agree on the potential impact of this missense change (SIFT: "Deleterious"; PolyPhen-2: "Benign"; Align-GVGD: "Class C55"). Algorithms developed to predict the effect of sequence changes on RNA splicing suggest that this variant may create or strengthen a splice site, but this prediction has not been confirmed by published transcriptional studies. In summary, the available evidence is currently insufficient to determine the role of this variant in disease. Therefore, it has been classified as a Variant of Uncertain Significance.

NM_003924.4(PHOX2B):c.92C>G (p.Ala31Gly)

Genes: PHOX2B (paired like homeobox 2B; minus strand), PHOX2B-AS1 (PHOX2B antisense RNA 1; plus strand). Cytogenetic location: 4p13.
Variant type: single nucleotide variant.
Coding change: c.92C>G on transcript NM_003924.4 (MANE Select); coding-DNA position 92, C replaced by G.
Protein change: p.Ala31Gly; replaces alanine 31 with glycine.
Molecular consequence: missense variant.
Genome position (GRCh38, 1-based): chr4:41,748,519, G>C on the plus strand (C>G on the coding strand, the complement: PHOX2B is on the minus strand). VCF-style: chr4-41748519-G-C. GRCh37 (hg19) VCF-style: chr4-41750536-G-C.
Other names: short protein forms A31G.
Identifiers: ClinVar variation 1466921 (VCV001466921.8), dbSNP rs1733985532, ClinGen allele CA356741108.